The following is an entry in ClinVar:

NM_145262.4(GLYCTK):c.1353C>T (p.Thr451=)

Gene: GLYCTK (glycerate kinase; plus strand). Cytogenetic location: 3p21.2.
Variant type: single nucleotide variant.
Coding change: c.1353C>T on transcript NM_145262.4 (MANE Select); coding-DNA position 1353, C replaced by T.
Protein change: p.Thr451=; no amino-acid change (threonine 451 retained).
Molecular consequence: synonymous variant. On other transcripts: 3 prime UTR variant (1), non-coding transcript variant (2).
Genome position (GRCh38, 1-based): chr3:52,292,907, C>T. VCF-style: chr3-52292907-C-T. GRCh37 (hg19) VCF-style: chr3-52326923-C-T.
Other names: c.*472C>T (NM_001144951.2).
Identifiers: ClinVar variation 2653877 (VCV002653877.24), dbSNP rs774322722, ClinGen allele CA2432308.
Genomic context (GRCh38, chr3:52,292,907, plus strand): 5'-AGCAGAGTTGAGAAGGTGGCCGCTGGGGCCGATAGATGTGCTGTTTTTGAGCGGTGGCAC[C>T]GATGGGCAGGATGGGCCCACAGAGGCTGCTGGGGCCTGGGTCACACCTGAGCTTGCCAGC-3'
Protein context (NP_660305.2, residues 441-461): PIDVLFLSGG[Thr451=]DGQDGPTEAA

ClinVar aggregate classification (germline): Likely benign (1 of 4 stars; one submission).

Allele frequency attached by ClinVar (database versions not stated): TOPMed 0.00002; gnomAD 0.00003.
gnomAD v4.1: 17 of 1,613,910 alleles (0.0011%); highest among the groups gnomAD compares: Middle Eastern, 0.033%; no homozygotes.

Submission:

CeGaT Center for Human Genetics Tuebingen
Classification: Likely benign. Last evaluated: 2022-08-01. Review status: criteria provided, single submitter. Criteria: CeGaT Center For Human Genetics Tuebingen Variant Classification Criteria Version 2. Collection method: clinical testing. Allele origin: germline. Affected: yes. Observed: 1 variant allele.
Comment: GLYCTK: BP4, BP7